The following is an entry in ClinVar:

NM_025000.4(DCAF17):c.262A>T (p.Met88Leu)

Gene: DCAF17 (DDB1 and CUL4 associated factor 17; plus strand). Cytogenetic location: 2q31.1.
Variant type: single nucleotide variant.
Coding change: c.262A>T on transcript NM_025000.4 (MANE Select); coding-DNA position 262, A replaced by T.
Protein change: p.Met88Leu; replaces methionine 88 with leucine.
Molecular consequence: missense variant. On other transcripts: non-coding transcript variant (1).
Genome position (GRCh38, 1-based): chr2:171,443,554, A>T. VCF-style: chr2-171443554-A-T. GRCh37 (hg19) VCF-style: chr2-172300064-A-T.
Other names: c.262A>T, p.Met88Leu (NM_001164821.2); short protein forms M88L.
Identifiers: ClinVar variation 1717639 (VCV001717639.5), dbSNP rs1694439191, ClinGen allele CA349276409.

ClinVar aggregate classification (germline): Uncertain significance (1 of 4 stars; one submission).

Conditions:
Woodhouse-Sakati syndrome. Also called: EXTRAPYRAMIDAL DISORDER, PROGRESSIVE, WITH PRIMARY HYPOGONADISM, MENTAL RETARDATION, AND ALOPECIA; Hypogonadism, Alopecia, Diabetes Mellitus, Mental Retardation, and Extrapyramidal Syndrome; Hypogonadism, diabetes mellitus, alopecia, mental retardation and electrocardiographic abnormalities. Identifiers: Orphanet 3464, MedGen C0342286, MONDO:0009419, OMIM 241080.

Submission:

Labcorp Genetics (formerly Invitae), Labcorp
Classification: Uncertain significance for Woodhouse-Sakati syndrome. Last evaluated: 2024-11-04. Review status: criteria provided, single submitter. Criteria: Invitae Variant Classification Sherloc (09022015). Collection method: clinical testing. Allele origin: germline.
Comment: This sequence change replaces methionine, which is neutral and non-polar, with leucine, which is neutral and non-polar, at codon 88 of the DCAF17 protein (p.Met88Leu). This variant is not present in population databases (gnomAD no frequency). This variant has not been reported in the literature in individuals affected with DCAF17-related conditions. ClinVar contains an entry for this variant (Variation ID: 1717639). Invitae Evidence Modeling of protein sequence and biophysical properties (such as structural, functional, and spatial information, amino acid conservation, physicochemical variation, residue mobility, and thermodynamic stability) indicates that this missense variant is not expected to disrupt DCAF17 protein function with a negative predictive value of 80%. In summary, the available evidence is currently insufficient to determine the role of this variant in disease. Therefore, it has been classified as a Variant of Uncertain Significance.